The following is an entry in ClinVar:

NM_144999.4(LRRC45):c.661+5G>A

Gene: LRRC45 (leucine rich repeat containing 45; plus strand). Cytogenetic location: 17q25.3.
Variant type: single nucleotide variant.
Coding change: c.661+5G>A on transcript NM_144999.4 (MANE Select); 5 bases into the intron after coding-DNA position 661, G replaced by A.
Molecular consequence: intron variant.
Genome position (GRCh38, 1-based): chr17:82,025,512, G>A. VCF-style: chr17-82025512-G-A. GRCh37 (hg19) VCF-style: chr17-79983388-G-A.
Other names: NC_000017.10:g.79983388G>A.
Identifiers: ClinVar variation 3350392 (VCV003350392.2).

ClinVar aggregate classification (germline): Likely benign (0 of 4 stars; one submission).

Conditions:
LRRC45-related disorder. Also called: LRRC45-related condition.

Submissions (2):

PreventionGenetics, part of Exact Sciences
Classification: Likely benign for LRRC45-related condition. Last evaluated: 2024-09-01. Review status: no assertion criteria provided. Collection method: clinical testing. Allele origin: germline.
Comment: This variant is classified as likely benign based on ACMG/AMP sequence variant interpretation guidelines (Richards et al. 2015 PMID: 25741868, with internal and published modifications).

Dr. Peter K. Rogan Lab, Western University
No classification provided (evidence only). Condition: Malignant tumor of esophagus. Review status: no classification provided. Collection method: in vitro. Allele origin: not applicable. Functional consequence: retained intron. Not counted in ClinVar's aggregate classification.